The following is an entry in ClinVar:

NM_133433.4(NIPBL):c.4576G>C (p.Val1526Leu)

Gene: NIPBL (NIPBL cohesin loading factor; plus strand). Cytogenetic location: 5p13.2.
Variant type: single nucleotide variant.
Coding change: c.4576G>C on transcript NM_133433.4 (MANE Select); coding-DNA position 4576, G replaced by C.
Protein change: p.Val1526Leu; replaces valine 1526 with leucine.
Molecular consequence: missense variant.
Genome position (GRCh38, 1-based): chr5:37,014,698, G>C. VCF-style: chr5-37014698-G-C. GRCh37 (hg19) VCF-style: chr5-37014800-G-C.
Other names: c.4576G>C, p.Val1526Leu (NM_015384.5); short protein forms V1526L.
Identifiers: ClinVar variation 1972762 (VCV001972762.4), dbSNP rs377716907, ClinGen allele CA3236588.
Genomic context (GRCh38, chr5:37,014,698, plus strand): 5'-TTATTATTTCTTGTATCTTTATAAACTCACTTTTTTTCATTCTAGATTGACCAGGATGTT[G>C]TCATTACTAACTCTTATGAAACAGCTATGCGAACAGCCCAAAACTTCCTCTCCATCTTCC-3'
Protein context (NP_597677.2, residues 1516-1536): DSNKKIDQDV[Val1526Leu]ITNSYETAMR

ClinVar aggregate classification (germline): Uncertain significance (1 of 4 stars; one submission).

Conditions:
Cornelia de Lange syndrome 1 (CDLS1). Also called: NIPBL-Related Cornelia de Lange Syndrome; TYPUS DEGENERATIVUS AMSTELODAMENSIS; Brachmann de Lange syndrome. Identifiers: Orphanet 199, MedGen C4551851, MONDO:0007387, OMIM 122470.

Allele frequency attached by ClinVar (database versions not stated): ExAC 0.00002; gnomAD exomes 0.00002; ESP Exome Variant Server 0.00008.
gnomAD v4.1: 25 of 1,605,282 alleles (0.0016%); highest among the groups gnomAD compares: Non-Finnish European, 0.0021%; no homozygotes.

Submission:

Labcorp Genetics (formerly Invitae), Labcorp
Classification: Uncertain significance for Cornelia de Lange syndrome 1. Last evaluated: 2025-01-06. Review status: criteria provided, single submitter. Criteria: Invitae Variant Classification Sherloc (09022015). Collection method: clinical testing. Allele origin: germline.
Comment: This sequence change replaces valine, which is neutral and non-polar, with leucine, which is neutral and non-polar, at codon 1526 of the NIPBL protein (p.Val1526Leu). This variant is present in population databases (rs377716907, gnomAD 0.004%). This variant has not been reported in the literature in individuals affected with NIPBL-related conditions. ClinVar contains an entry for this variant (Variation ID: 1972762). Invitae Evidence Modeling of protein sequence and biophysical properties (such as structural, functional, and spatial information, amino acid conservation, physicochemical variation, residue mobility, and thermodynamic stability) indicates that this missense variant is not expected to disrupt NIPBL protein function with a negative predictive value of 95%. In summary, the available evidence is currently insufficient to determine the role of this variant in disease. Therefore, it has been classified as a Variant of Uncertain Significance.